The following is an entry in ClinVar:

ClinVar aggregate classification (germline): Uncertain significance (1 of 4 stars; one submission).

Submission:

Labcorp Genetics (formerly Invitae), Labcorp
Classification: Uncertain significance. Last evaluated: 2023-10-26. Review status: criteria provided, single submitter. Criteria: Invitae Variant Classification Sherloc (09022015). Collection method: clinical testing. Allele origin: germline.
Comment: This sequence change replaces threonine, which is neutral and polar, with isoleucine, which is neutral and non-polar, at codon 946 of the TOP2B protein (p.Thr946Ile). This variant is not present in population databases (gnomAD no frequency). This variant has not been reported in the literature in individuals affected with TOP2B-related conditions. An algorithm developed to predict the effect of missense changes on protein structure and function (PolyPhen-2) suggests that this variant is likely to be tolerated. In summary, the available evidence is currently insufficient to determine the role of this variant in disease. Therefore, it has been classified as a Variant of Uncertain Significance.

NM_001330700.2(TOP2B):c.2852C>T (p.Thr951Ile)

Gene: TOP2B (DNA topoisomerase II beta; minus strand). Cytogenetic location: 3p24.2.
Variant type: single nucleotide variant.
Coding change: c.2852C>T on transcript NM_001330700.2 (MANE Select); coding-DNA position 2852, C replaced by T.
Protein change: p.Thr951Ile; replaces threonine 951 with isoleucine.
Molecular consequence: missense variant.
Genome position (GRCh38, 1-based): chr3:25,620,692, G>A on the plus strand (C>T on the coding strand, the complement: TOP2B is on the minus strand). VCF-style: chr3-25620692-G-A. GRCh37 (hg19) VCF-style: chr3-25662183-G-A.
Other names: c.2837C>T, p.Thr946Ile (NM_001068.3); short protein forms T946I, T951I.
Identifiers: ClinVar variation 2771955 (VCV002771955.3), dbSNP rs564436755, ClinGen allele CA351899209.